The following is an entry in ClinVar:

NM_000278.5(PAX2):c.169C>A (p.Gln57Lys)

Gene: PAX2 (paired box 2; plus strand). Cytogenetic location: 10q24.31.
Variant type: single nucleotide variant.
Coding change: c.169C>A on transcript NM_000278.5 (MANE Select); coding-DNA position 169, C replaced by A.
Protein change: p.Gln57Lys; replaces glutamine 57 with lysine.
Molecular consequence: missense variant.
Genome position (GRCh38, 1-based): chr10:100,749,871, C>A. VCF-style: chr10-100749871-C-A. GRCh37 (hg19) VCF-style: chr10-102509628-C-A.
Other names: c.262C>A, p.Gln88Lys (NM_001304569.2); c.169C>A, p.Gln57Lys (NM_003987.5, NM_003988.5, NM_003989.5 and 1 more transcripts); short protein forms Q88K, Q57K.
Identifiers: ClinVar variation 4793829 (VCV004793829.1).
Genomic context (GRCh38, chr10:100,749,871, plus strand): 5'-GTGAGGCAGCGCATCGTGGAGCTGGCCCACCAGGGTGTGCGGCCCTGTGACATCTCCCGG[C>A]AGCTGCGGGTCAGCCACGGCTGTGTCAGCAAAATCCTGGGCAGGTGAGGGCTTCGCAGCT-3'
Protein context (NP_000269.3, residues 47-67): QGVRPCDISR[Gln57Lys]LRVSHGCVSK

ClinVar aggregate classification (germline): Uncertain significance (1 of 4 stars; one submission).

Conditions:
Focal segmental glomerulosclerosis 7 (FSGS7). Identifiers: Orphanet 656, MedGen C4014925, MONDO:0014451, OMIM 616002.
Renal coloboma syndrome (PAPRS). Also called: COLOBOMA OF OPTIC NERVE WITH RENAL DISEASE; OPTIC COLOBOMA, VESICOURETERAL REFLUX, AND RENAL ANOMALIES; OPTIC NERVE COLOBOMA WITH RENAL DISEASE; PAPILLORENAL SYNDROME; RENAL-COLOBOMA SYNDROME WITH MACULAR ABNORMALITIES; PAPILLORENAL SYNDROME WITH MILD OCULAR ABNORMALITIES. Identifiers: Orphanet 1475, MedGen C1852759, MONDO:0007352, OMIM 120330.

Submission:

Labcorp Genetics (formerly Invitae), Labcorp
Classification: Uncertain significance for Renal coloboma syndrome; Focal segmental glomerulosclerosis 7. Last evaluated: 2025-03-31. Review status: criteria provided, single submitter. Criteria: Invitae Variant Classification Sherloc (09022015). Collection method: clinical testing. Allele origin: germline.
Comment: This sequence change replaces glutamine, which is neutral and polar, with lysine, which is basic and polar, at codon 57 of the PAX2 protein (p.Gln57Lys). This variant is not present in population databases (gnomAD no frequency). This variant has not been reported in the literature in individuals affected with PAX2-related conditions. Experimental studies and prediction algorithms are not available or were not evaluated, and the functional significance of this variant is currently unknown. In summary, the available evidence is currently insufficient to determine the role of this variant in disease. Therefore, it has been classified as a Variant of Uncertain Significance.